The following is an entry in ClinVar:

NM_001197104.2(KMT2A):c.7463A>G (p.Asp2488Gly)

Gene: KMT2A (lysine methyltransferase 2A; plus strand). Cytogenetic location: 11q23.3.
Variant type: single nucleotide variant.
Coding change: c.7463A>G on transcript NM_001197104.2 (MANE Select); coding-DNA position 7463, A replaced by G.
Protein change: p.Asp2488Gly; replaces aspartic acid 2488 with glycine.
Molecular consequence: missense variant.
Genome position (GRCh38, 1-based): chr11:118,503,355, A>G. VCF-style: chr11-118503355-A-G. GRCh37 (hg19) VCF-style: chr11-118374070-A-G.
Other names: c.7553A>G, p.Asp2518Gly (NM_001412597.1); c.7454A>G, p.Asp2485Gly (NM_005933.4); short protein forms D2485G, D2488G, D2518G.
Identifiers: ClinVar variation 2627301 (VCV002627301.1), dbSNP rs1555046599, ClinGen allele CA382805676.

ClinVar aggregate classification (germline): Uncertain significance (1 of 4 stars; one submission).

Submission:

Women's Health and Genetics/Laboratory Corporation of America, LabCorp
Classification: Uncertain significance. Last evaluated: 2023-09-22. Review status: criteria provided, single submitter. Criteria: LabCorp Variant Classification Summary - May 2015. Collection method: clinical testing. Allele origin: germline.
Comment: Variant summary: KMT2A c.7463A>G (p.Asp2488Gly) results in a non-conservative amino acid change in the encoded protein sequence. Four of five in-silico tools predict a benign effect of the variant on protein function. Several computational tools predict a significant impact on normal splicing: four predict the variant creates a 5' donor site. However, these predictions have yet to be confirmed by functional studies. The variant was absent in 251440 control chromosomes (gnomAD). The available data on variant occurrences in the general population are insufficient to allow any conclusion about variant significance. To our knowledge, no occurrence of c.7463A>G in individuals affected with Wiedemann-Steiner Syndrome and no experimental evidence demonstrating its impact on protein function have been reported. No submitters have reported clinical-significance assessments for this variant to ClinVar after 2014. Based on the evidence outlined above, the variant was classified as uncertain significance.